The following is an entry in ClinVar:

NM_001367624.2(ZNF469):c.10098G>C (p.Leu3366=)

Genes: ZNF469 (zinc finger protein 469; plus strand), LOC130059719 (ATAC-STARR-seq lymphoblastoid silent region 7848; plus strand). Cytogenetic location: 16q24.2.
Variant type: single nucleotide variant.
Coding change: c.10098G>C on transcript NM_001367624.2 (MANE Select); coding-DNA position 10098, G replaced by C.
Protein change: p.Leu3366=; no amino-acid change (leucine 3366 retained).
Molecular consequence: synonymous variant.
Genome position (GRCh38, 1-based): chr16:88,437,568, G>C. VCF-style: chr16-88437568-G-C. GRCh37 (hg19) VCF-style: chr16-88503976-G-C.
Other names: NM_001127464.2:c.10014G>C.
Identifiers: ClinVar variation 1612047 (VCV001612047.9), dbSNP rs1418574388, ClinGen allele CA497358759.
Genomic context (GRCh38, chr16:88,437,568, plus strand): 5'-CCCCAAGCCCTTCAAGCTGCAGCGCCACCTGGCGGTGCACAGCCCGCAGCGCGTCTACCT[G>C]TGCCCCCGGTGCCCCCGGGTCTACCCCGAGCACGGGGAGCTGCTGGCACACCTGGGCGGG-3'
Protein context (NP_001354553.1, residues 3356-3376): LAVHSPQRVY[Leu3366=]CPRCPRVYPE

ClinVar aggregate classification (germline): Likely benign. Review status: criteria provided, multiple submitters, no conflicts (2 of 4 stars). 2 submissions from 2 submitters: Likely benign (2). Last evaluated 2025-08-27.

Conditions:
ZNF469-related disorder. Also called: ZNF469-related condition.

Allele frequency attached by ClinVar (database versions not stated): gnomAD exomes below 0.00001.
gnomAD v4.1: 3 of 1,536,290 alleles (0.0002%); highest among the groups gnomAD compares: Non-Finnish European, 0.00026%; no homozygotes.

Submissions (2):

PreventionGenetics, part of Exact Sciences
Classification: Likely benign for ZNF469-related condition. Last evaluated: 2025-08-27. Review status: criteria provided, single submitter. Criteria: ACMG Guidelines, 2015. Collection method: clinical testing. Allele origin: germline.
Comment: This variant is classified as likely benign based on ACMG/AMP sequence variant interpretation guidelines (Richards et al. 2015 PMID: 25741868, with internal and published modifications).

Labcorp Genetics (formerly Invitae), Labcorp
Classification: Likely benign. Last evaluated: 2024-02-29. Review status: criteria provided, single submitter. Criteria: Invitae Variant Classification Sherloc (09022015). Collection method: clinical testing. Allele origin: germline.